The following is an entry in ClinVar:

NM_000368.5(TSC1):c.68A>G (p.Asp23Gly)

Gene: TSC1 (TSC complex subunit 1; minus strand). Cytogenetic location: 9q34.13.
Variant type: single nucleotide variant.
Coding change: c.68A>G on transcript NM_000368.5 (MANE Select); coding-DNA position 68, A replaced by G.
Protein change: p.Asp23Gly; replaces aspartic acid 23 with glycine.
Molecular consequence: missense variant. On other transcripts: 5 prime UTR variant (1).
Genome position (GRCh38, 1-based): chr9:132,928,805, T>C on the plus strand (A>G on the coding strand, the complement: TSC1 is on the minus strand). VCF-style: chr9-132928805-T-C. GRCh37 (hg19) VCF-style: chr9-135804192-T-C.
Other names: c.68A>G, p.Asp23Gly (NM_001162426.2, NM_001162427.2); c.-192A>G (NM_001362177.2); short protein forms D23G.
Identifiers: ClinVar variation 960609 (VCV000960609.9), dbSNP rs1847034874, ClinGen allele CA375375337.

ClinVar aggregate classification (germline): Uncertain significance (1 of 4 stars; one submission).

Conditions:
Tuberous sclerosis 1 (TSC1). Identifiers: Orphanet 805, MedGen C1854465, MONDO:0008612, OMIM 191100.

Allele frequency attached by ClinVar (database versions not stated): gnomAD exomes below 0.00001.

Submission:

Labcorp Genetics (formerly Invitae), Labcorp
Classification: Uncertain significance for Tuberous sclerosis 1. Last evaluated: 2022-01-18. Review status: criteria provided, single submitter. Criteria: Invitae Variant Classification Sherloc (09022015). Collection method: clinical testing. Allele origin: germline.
Comment: ClinVar contains an entry for this variant (Variation ID: 960609). This sequence change replaces aspartic acid, which is acidic and polar, with glycine, which is neutral and non-polar, at codon 23 of the TSC1 protein (p.Asp23Gly). This variant is not present in population databases (gnomAD no frequency). This variant has not been reported in the literature in individuals affected with TSC1-related conditions. Algorithms developed to predict the effect of missense changes on protein structure and function output the following: SIFT: "Deleterious"; PolyPhen-2: "Benign"; Align-GVGD: "Class C0". The glycine amino acid residue is found in multiple mammalian species, which suggests that this missense change does not adversely affect protein function. In summary, the available evidence is currently insufficient to determine the role of this variant in disease. Therefore, it has been classified as a Variant of Uncertain Significance.